The following is an entry in ClinVar:

NM_000016.6(ACADM):c.47del (p.Ser16fs)

Gene: ACADM (acyl-CoA dehydrogenase medium chain; plus strand). Cytogenetic location: 1p31.1.
Variant type: Deletion.
Coding change: c.47del on transcript NM_000016.6 (MANE Select); coding-DNA position 47, one base deleted (C; older notation c.47delC).
Protein change: p.Ser16fs; shifts the reading frame from serine 16.
Molecular consequence: frameshift variant. On other transcripts: intron variant (2).
Genome position (GRCh38, 1-based): chr1:75,728,417, C deleted. VCF-style (leftmost placement, unchanged base first): chr1-75728416-TC-T. GRCh37 (hg19) VCF-style: chr1-76194101-TC-T.
Other names: c.59del, p.Ser20fs (NM_001127328.3); c.47del, p.Ser16fs (NM_001286043.2); c.10+3600del (NM_001286042.2); c.-268+3600del (NM_001286044.2); c.47delC (NM_000016.5); short protein forms S20fs, S16fs.
Identifiers: ClinVar variation 528454 (VCV000528454.9), dbSNP rs1325949559, ClinGen allele CA658795477.

ClinVar aggregate classification (germline): Pathogenic/Likely pathogenic. Review status: criteria provided, multiple submitters, no conflicts (2 of 4 stars). 3 submissions from 3 submitters: Pathogenic (1); Likely pathogenic (2). Last evaluated 2025-09-03.

Conditions:
Medium-chain acyl-coenzyme A dehydrogenase deficiency (ACADMD). Also called: CARNITINE DEFICIENCY SECONDARY TO MEDIUM-CHAIN ACYL-CoA DEHYDROGENASE DEFICIENCY; MCADH DEFICIENCY; MCADD; Medium chain acyl-CoA dehydrogenase deficiency; MCAD Deficiency; ACADM DEFICIENCY. Identifiers: Orphanet 42, MedGen C0220710, MONDO:0008721, OMIM 201450.

Allele frequency attached by ClinVar (database versions not stated): gnomAD exomes below 0.00001; TOPMed 0.00001.

Submissions (3):

Natera, Inc.
Classification: Likely pathogenic for Medium Chain Acyl-CoA Dehydrogenase Deficiency. Last evaluated: 2025-09-03. Review status: criteria provided, single submitter. Criteria: Natera Variant Classification Schema (03/2026). Collection method: clinical testing. Allele origin: germline.
Comment: The c.47delC variant in ACADM is a frameshift variant predicted to shift the reading frame beginning at codon 16 and leads to a stop codon 20 codons downstream. This variant is expected to result in nonsense mediated decay, truncation, or a dysfunctional protein product. This variant is rare in the general population with a frequency below the threshold expected for the associated phenotype(s). Given the available evidence, this variant is classified as Likely Pathogenic.

Baylor Genetics
Classification: Likely pathogenic for Medium-chain acyl-coenzyme A dehydrogenase deficiency. Last evaluated: 2024-03-05. Review status: criteria provided, single submitter. Criteria: ACMG Guidelines, 2015. Collection method: clinical testing. Allele origin: unknown.

Labcorp Genetics (formerly Invitae), Labcorp
Classification: Pathogenic for Medium-chain acyl-coenzyme A dehydrogenase deficiency. Last evaluated: 2023-07-21. Review status: criteria provided, single submitter. Criteria: Invitae Variant Classification Sherloc (09022015). Collection method: clinical testing. Allele origin: germline.
Comment: For these reasons, this variant has been classified as Pathogenic. ClinVar contains an entry for this variant (Variation ID: 528454). This variant has not been reported in the literature in individuals affected with ACADM-related conditions. This variant is not present in population databases (gnomAD no frequency). This sequence change creates a premature translational stop signal (p.Ser16Phefs*20) in the ACADM gene. It is expected to result in an absent or disrupted protein product. Loss-of-function variants in ACADM are known to be pathogenic (PMID: 16121256, 20434380).

Literature cited by the submitters: PubMed 16121256 (cited by Labcorp Genetics (formerly Invitae), Labcorp); PubMed 20434380 (cited by Labcorp Genetics (formerly Invitae), Labcorp).